The following is an entry in ClinVar:

NM_006767.4(LZTR1):c.848G>T (p.Arg283Leu)

Gene: LZTR1 (leucine zipper like post translational regulator 1; plus strand). Cytogenetic location: 22q11.21.
Variant type: single nucleotide variant.
Coding change: c.848G>T on transcript NM_006767.4 (MANE Select); coding-DNA position 848, G replaced by T.
Protein change: p.Arg283Leu; replaces arginine 283 with leucine.
Molecular consequence: missense variant.
Genome position (GRCh38, 1-based): chr22:20,991,684, G>T. VCF-style: chr22-20991684-G-T. GRCh37 (hg19) VCF-style: chr22-21345973-G-T.
Other names: short protein forms R283L.
Identifiers: ClinVar variation 1763574 (VCV001763574.2), dbSNP rs1223430276, ClinGen allele CA410781241.
Genomic context (GRCh38, chr22:20,991,684, plus strand): 5'-CCAGGTGGACACGCATCCCAACTGAACACCTGCTCCGGGGCTCCCCACCACCCCCGCAGC[G>T]GCGCTACGGGCATACCATGGTGGCCTTTGACCGCCACCTCTATGTGTTTGGGGGTGCGGC-3'
Protein context (NP_006758.2, residues 273-293): LLRGSPPPPQ[Arg283Leu]RYGHTMVAFD

ClinVar aggregate classification (germline): Uncertain significance (1 of 4 stars; one submission).

Conditions:
Cardiovascular phenotype. Identifiers: MedGen CN230736.
Hereditary cancer-predisposing syndrome. Also called: Neoplastic Syndromes, Hereditary; Tumor predisposition; Hereditary Cancer Syndrome; Hereditary neoplastic syndrome. Identifiers: Orphanet 140162, MedGen C0027672, MeSH D009386, MONDO:0015356.

Submission:

Ambry Genetics
Classification: Uncertain significance for Cardiovascular phenotype; Hereditary cancer-predisposing syndrome. Last evaluated: 2022-01-20. Review status: criteria provided, single submitter. Criteria: Ambry Variant Classification Scheme 2023. Collection method: clinical testing. Allele origin: germline.
Comment: The p.R283L variant (also known as c.848G>T), located in coding exon 9 of the LZTR1 gene, results from a G to T substitution at nucleotide position 848. The arginine at codon 283 is replaced by leucine, an amino acid with dissimilar properties. This amino acid position is highly conserved in available vertebrate species. In addition, this alteration is predicted to be deleterious by in silico analysis. Since supporting evidence is limited at this time, the clinical significance of this alteration remains unclear.